The following is an entry in ClinVar:

NM_000642.3(AGL):c.1064C>T (p.Thr355Met)

Gene: AGL (amylo-alpha-1,6-glucosidase and 4-alpha-glucanotransferase; plus strand). Cytogenetic location: 1p21.2.
Variant type: single nucleotide variant.
Coding change: c.1064C>T on transcript NM_000642.3 (MANE Select); coding-DNA position 1064, C replaced by T.
Protein change: p.Thr355Met; replaces threonine 355 with methionine.
Molecular consequence: missense variant.
Genome position (GRCh38, 1-based): chr1:99,874,792, C>T. VCF-style: chr1-99874792-C-T. GRCh37 (hg19) VCF-style: chr1-100340348-C-T.
Other names: c.1064C>T, p.Thr355Met (NM_000028.3, NM_000643.3, NM_000644.3 and 3 more transcripts); c.1016C>T, p.Thr339Met (NM_000646.3); c.860C>T, p.Thr287Met (NM_001425328.1, NM_001425329.1); c.686C>T, p.Thr229Met (NM_001425332.1); short protein forms T355M, T339M, T229M, T287M.
Identifiers: ClinVar variation 568901 (VCV000568901.13), dbSNP rs557516658, ClinGen allele CA966360.
Genomic context (GRCh38, chr1:99,874,792, plus strand): 5'-TTATTCAAGATCCTGAATACAGACGGTTTGGCTGTACTGTAGATATGAACATTGCACTAA[C>T]GACTTTCATACCACATGAGTATGTAATGTGTTTTTTTCTGTGAAATAATAATATTACTTA-3'
Protein context (NP_000633.2, residues 345-365): GCTVDMNIAL[Thr355Met]TFIPHDKGPA

ClinVar aggregate classification (germline): Uncertain significance. Review status: criteria provided, multiple submitters, no conflicts (2 of 4 stars). 4 submissions from 4 submitters: Uncertain significance (3). 1 of the submissions does not count toward it. Last evaluated 2025-09-25.

Conditions:
Glycogen storage disease type III (GSD3). Also called: FORBES DISEASE; Cori disease. Identifiers: Orphanet 366, MedGen C0017922, MONDO:0009291, OMIM 232400.
Inborn genetic diseases. Identifiers: MedGen C0950123, MeSH D030342.

Allele frequency attached by ClinVar (database versions not stated): TOPMed 0.00001; gnomAD 0.00002 and 0.00001; gnomAD exomes 0.00006 and 0.00001; ExAC 0.00007; 1000 Genomes Project 30x 0.00016; 1000 Genomes Project 0.00020.
gnomAD v4.1: 20 of 1,613,676 alleles (0.0012%); highest among the groups gnomAD compares: Admixed American, 0.0067%; no homozygotes.

Submissions (4):

Ambry Genetics
Classification: Uncertain significance for Inborn genetic diseases. Last evaluated: 2025-09-25. Review status: criteria provided, single submitter. Criteria: Ambry Variant Classification Scheme 2023. Collection method: clinical testing. Allele origin: germline.

Blueprint Genetics
Classification: Uncertain significance. Last evaluated: 2024-06-20. Review status: criteria provided, single submitter. Criteria: ACMG Guidelines, 2015. Collection method: clinical testing. Allele origin: germline.

Labcorp Genetics (formerly Invitae), Labcorp
Classification: Uncertain significance for Glycogen storage disease type III. Last evaluated: 2022-05-18. Review status: criteria provided, single submitter. Criteria: Invitae Variant Classification Sherloc (09022015). Collection method: clinical testing. Allele origin: germline.
Comment: This sequence change replaces threonine, which is neutral and polar, with methionine, which is neutral and non-polar, at codon 355 of the AGL protein (p.Thr355Met). This variant is present in population databases (rs557516658, gnomAD 0.01%). This variant has not been reported in the literature in individuals affected with AGL-related conditions. ClinVar contains an entry for this variant (Variation ID: 568901). Algorithms developed to predict the effect of missense changes on protein structure and function (SIFT, PolyPhen-2, Align-GVGD) all suggest that this variant is likely to be tolerated. In summary, the available evidence is currently insufficient to determine the role of this variant in disease. Therefore, it has been classified as a Variant of Uncertain Significance.

Natera, Inc.
Classification: Uncertain significance for Glycogen storage disease type III. Last evaluated: 2019-10-28. Review status: no assertion criteria provided. Collection method: clinical testing. Allele origin: germline. Not counted in ClinVar's aggregate classification.